The following is an entry in ClinVar:

ClinVar aggregate classification (germline): Uncertain significance (1 of 4 stars; one submission).

gnomAD v4.1: 2 of 1,611,178 alleles (0.00012%); highest among the groups gnomAD compares: Non-Finnish European, 0.00017%; no homozygotes.

Submission:

Ambry Genetics
Classification: Uncertain significance. Last evaluated: 2021-09-27. Review status: criteria provided, single submitter. Criteria: Ambry Variant Classification Scheme 2023. Collection method: clinical testing. Allele origin: germline.
Comment: The p.L2263I variant (also known as c.6787C>A), located in coding exon 23 of the POLQ gene, results from a C to A substitution at nucleotide position 6787. The leucine at codon 2263 is replaced by isoleucine, an amino acid with highly similar properties. This amino acid position is conserved. In addition, this alteration is predicted to be tolerated by in silico analysis. Since supporting evidence is limited at this time, the clinical significance of this alteration remains unclear.

NM_199420.4(POLQ):c.6787C>A (p.Leu2263Ile)

Gene: POLQ (DNA polymerase theta; minus strand). Cytogenetic location: 3q13.33.
Variant type: single nucleotide variant.
Coding change: c.6787C>A on transcript NM_199420.4 (MANE Select); coding-DNA position 6787, C replaced by A.
Protein change: p.Leu2263Ile; replaces leucine 2263 with isoleucine.
Molecular consequence: missense variant.
Genome position (GRCh38, 1-based): chr3:121,468,363, G>T on the plus strand (C>A on the coding strand, the complement: POLQ is on the minus strand). VCF-style: chr3-121468363-G-T. GRCh37 (hg19) VCF-style: chr3-121187210-G-T.
Other names: short protein forms L2263I.
Identifiers: ClinVar variation 1755413 (VCV001755413.2), dbSNP rs2546770740, ClinGen allele CA354111475.